The following is an entry in ClinVar:

Conditions:
Breast-ovarian cancer, familial, susceptibility to, 1 (BROVCA1). Also called: BRCA1 Hereditary Breast and Ovarian Cancer; OVARIAN CANCER, SUSCEPTIBILITY TO. Identifiers: Orphanet 145, MedGen C2676676, MONDO:0011450, OMIM 604370. Disease mechanism: loss of function.

Submission:

Brotman Baty Institute, University of Washington
No classification provided (evidence only). Condition: Breast-ovarian cancer, familial 1. Review status: no classification provided. Collection method: in vitro. Allele origin: not applicable. Functional consequence: function_uncertain_variant.
ClinVar note: "not provided" was previously submitted as the classification for the variant. However, the classification appeared to be based only on an observation of functional data so it was converted to no classification on 2025-07-30.

NM_007294.4(BRCA1):c.5009G>C (p.Arg1670Thr)

Gene: BRCA1 (BRCA1 DNA repair associated; minus strand). Cytogenetic location: 17q21.31.
Variant type: single nucleotide variant.
Coding change: c.5009G>C on transcript NM_007294.4 (MANE Select); coding-DNA position 5009, G replaced by C.
Protein change: p.Arg1670Thr; replaces arginine 1670 with threonine.
Molecular consequence: missense variant. On other transcripts: non-coding transcript variant (1).
Genome position (GRCh38, 1-based): chr17:43,067,673, C>G on the plus strand (G>C on the coding strand, the complement: BRCA1 is on the minus strand). VCF-style: chr17-43067673-C-G. GRCh37 (hg19) VCF-style: chr17-41219690-C-G.
Other names: c.4676G>C, p.Arg1559Thr (NM_001407948.1, NM_001407949.1, NM_001407946.1 and 1 more transcripts); c.4673G>C, p.Arg1558Thr (NM_001407950.1, NM_001407951.1, NM_001407952.1 and 3 more transcripts); c.4625G>C, p.Arg1542Thr (NM_001407962.1, NM_001407960.1); c.4622G>C, p.Arg1541Thr (NM_001407963.1); c.4547G>C, p.Arg1516Thr (NM_001407964.1); c.4502G>C, p.Arg1501Thr (NM_001407965.1); c.4121G>C, p.Arg1374Thr (NM_001407966.1); c.4118G>C, p.Arg1373Thr (NM_001407967.1); and 70 more; short protein forms R1670T, R566T, R1623T, R1691T, R1374T, R1559T, R1581T, R1582T.
Identifiers: ClinVar variation 867530 (VCV000867530.3), dbSNP rs2052182633, ClinGen allele CA10591502.